The following is an entry in ClinVar:

NM_001128840.3(CACNA1D):c.6056T>C (p.Leu2019Pro)

Gene: CACNA1D (calcium voltage-gated channel subunit alpha1 D; plus strand). Cytogenetic location: 3p21.1.
Variant type: single nucleotide variant.
Coding change: c.6056T>C on transcript NM_001128840.3 (MANE Select); coding-DNA position 6056, T replaced by C.
Protein change: p.Leu2019Pro; replaces leucine 2019 with proline.
Molecular consequence: missense variant.
Genome position (GRCh38, 1-based): chr3:53,810,162, T>C. VCF-style: chr3-53810162-T-C. GRCh37 (hg19) VCF-style: chr3-53844189-T-C.
Other names: c.6116T>C, p.Leu2039Pro (NM_000720.4); c.5984T>C, p.Leu1995Pro (NM_001128839.3); short protein forms L1995P, L2019P, L2039P.
Identifiers: ClinVar variation 4714232 (VCV004714232.1).
Genomic context (GRCh38, chr3:53,810,162, plus strand): 5'-CCCTGATCCAAGTGGAGCAGTCAGAGGCCCTGGACCAGGTGAACGGCAGCCTGCCGTCCC[T>C]GCACCGCAGCTCCTGGTACACAGACGAGCCCGACATCTCCTACCGGACTTTCACACCAGC-3'
Protein context (NP_001122312.1, residues 2009-2029): LDQVNGSLPS[Leu2019Pro]HRSSWYTDEP

ClinVar aggregate classification (germline): Uncertain significance (1 of 4 stars; one submission).

gnomAD v4.1: 2 of 1,614,016 alleles (0.00012%); highest among the groups gnomAD compares: Non-Finnish European, 0.00017%; no homozygotes.

Submission:

Labcorp Genetics (formerly Invitae), Labcorp
Classification: Uncertain significance. Last evaluated: 2025-03-03. Review status: criteria provided, single submitter. Criteria: Invitae Variant Classification Sherloc (09022015). Collection method: clinical testing. Allele origin: germline.
Comment: This sequence change replaces leucine, which is neutral and non-polar, with proline, which is neutral and non-polar, at codon 2039 of the CACNA1D protein (p.Leu2039Pro). This variant is not present in population databases (gnomAD no frequency). This variant has not been reported in the literature in individuals affected with CACNA1D-related conditions. An algorithm developed to predict the effect of missense changes on protein structure and function (PolyPhen-2) suggests that this variant is likely to be disruptive. In summary, the available evidence is currently insufficient to determine the role of this variant in disease. Therefore, it has been classified as a Variant of Uncertain Significance.